The following is an entry in ClinVar:

NM_006904.7(PRKDC):c.11490-1G>A

Gene: PRKDC (protein kinase, DNA-activated, catalytic subunit; minus strand). Cytogenetic location: 8q11.21.
Variant type: single nucleotide variant.
Coding change: c.11490-1G>A on transcript NM_006904.7 (MANE Select); the canonical splice acceptor site of the intron before coding-DNA position 11490, G replaced by A.
Molecular consequence: splice acceptor variant.
Genome position (GRCh38, 1-based): chr8:47,779,094, C>T on the plus strand (G>A on the coding strand, the complement: PRKDC is on the minus strand). VCF-style: chr8-47779094-C-T. GRCh37 (hg19) VCF-style: chr8-48691655-C-T.
Other names: c.11397-1G>A (NM_001081640.2).
Identifiers: ClinVar variation 542009 (VCV000542009.7), dbSNP rs1554623754, ClinGen allele CA371129243.

ClinVar aggregate classification (germline): Uncertain significance (1 of 4 stars; one submission).

Conditions:
Severe combined immunodeficiency due to DNA-PKcs deficiency. Also called: IMMUNODEFICIENCY 26 WITH NEUROLOGIC ABNORMALITIES; Immunodeficiency 26 with or without neurologic abnormalities. Identifiers: Orphanet 317425, MedGen C4014833, MONDO:0014423, OMIM 615966.

Submission:

Labcorp Genetics (formerly Invitae), Labcorp
Classification: Uncertain significance for Severe combined immunodeficiency due to DNA-PKcs deficiency. Last evaluated: 2018-11-03. Review status: criteria provided, single submitter. Criteria: Invitae Variant Classification Sherloc (09022015). Collection method: clinical testing. Allele origin: germline.
Comment: In summary, the available evidence is currently insufficient to determine the role of this variant in disease. Therefore, it has been classified as a Variant of Uncertain Significance. The current clinical and genetic evidence is not sufficient to establish whether loss-of-function variants in PRKDC cause disease. This variant has not been reported in the literature in individuals with PRKDC-related disease. This variant is not present in population databases (ExAC no frequency). This sequence change affects an acceptor splice site in intron 80 of the PRKDC gene. It is expected to disrupt RNA splicing and likely results in an absent or disrupted protein product.